The following is an entry in ClinVar:

NM_000551.4(VHL):c.406T>G (p.Phe136Val)

Genes: VHL (von Hippel-Lindau tumor suppressor; plus strand), LOC107303340 (3p25 von Hippel-Lindau tumor suppressor, E3 ubiquitin protein ligase Alu-mediated recombination region; plus strand). Cytogenetic location: 3p25.3.
Variant type: single nucleotide variant.
Coding change: c.406T>G on transcript NM_000551.4 (MANE Select); coding-DNA position 406, T replaced by G.
Protein change: p.Phe136Val; replaces phenylalanine 136 with valine.
Molecular consequence: missense variant. On other transcripts: intron variant (2).
Genome position (GRCh38, 1-based): chr3:10,146,579, T>G. VCF-style: chr3-10146579-T-G. GRCh37 (hg19) VCF-style: chr3-10188263-T-G.
Other names: c.*18-3208T>G (NM_001354723.2); c.341-3208T>G (NM_198156.3); short protein forms F136V.
Identifiers: ClinVar variation 1737544 (VCV001737544.6), dbSNP rs1696264108, ClinGen allele CA351754039.

ClinVar aggregate classification (germline): Pathogenic/Likely pathogenic. Review status: criteria provided, multiple submitters, no conflicts (2 of 4 stars). 2 submissions from 2 submitters: Pathogenic (1); Likely pathogenic (1). Last evaluated 2024-05-22.

Conditions:
Hereditary cancer-predisposing syndrome. Also called: Neoplastic Syndromes, Hereditary; Tumor predisposition; Hereditary Cancer Syndrome; Hereditary neoplastic syndrome. Identifiers: Orphanet 140162, MedGen C0027672, MeSH D009386, MONDO:0015356.
Chuvash polycythemia. Also called: POLYCYTHEMIA, VHL-DEPENDENT. Identifiers: Orphanet 238557, MedGen C1837915, MONDO:0009892, OMIM 263400.
Von Hippel-Lindau syndrome (VHLS). Also called: von Hippel–Lindau syndrome; VHL syndrome; Von Hippel-Lindau. Identifiers: Orphanet 892, MedGen C0019562, MONDO:0008667, OMIM 193300. Disease mechanism: loss of function.

Submissions (2):

Labcorp Genetics (formerly Invitae), Labcorp
Classification: Pathogenic for Von Hippel-Lindau syndrome; Chuvash polycythemia. Last evaluated: 2024-05-22. Review status: criteria provided, single submitter. Criteria: Invitae Variant Classification Sherloc (09022015). Collection method: clinical testing. Allele origin: germline.
Comment: This sequence change replaces phenylalanine, which is neutral and non-polar, with valine, which is neutral and non-polar, at codon 136 of the VHL protein (p.Phe136Val). This variant is not present in population databases (gnomAD no frequency). This missense change has been observed in individual(s) with clinical features of von Hippel-Lindau syndrome (Invitae). ClinVar contains an entry for this variant (Variation ID: 1737544). Advanced modeling of protein sequence and biophysical properties (such as structural, functional, and spatial information, amino acid conservation, physicochemical variation, residue mobility, and thermodynamic stability) performed at Invitae indicates that this missense variant is expected to disrupt VHL protein function with a positive predictive value of 95%. This variant disrupts the p.Phe136 amino acid residue in VHL. Other variant(s) that disrupt this residue have been determined to be pathogenic (PMID: 7987306, 12202531, 12510195, 12624160, 15300849, 17024664, 34122352; Invitae). This suggests that this residue is clinically significant, and that variants that disrupt this residue are likely to be disease-causing. For these reasons, this variant has been classified as Pathogenic.

Ambry Genetics
Classification: Likely pathogenic for Hereditary cancer-predisposing syndrome. Last evaluated: 2024-03-26. Review status: criteria provided, single submitter. Criteria: Ambry Variant Classification Scheme 2023. Collection method: clinical testing. Allele origin: germline.
Comment: The p.F136V variant (also known as c.406T>G), located in coding exon 2 of the VHL gene, results from a T to G substitution at nucleotide position 406. The phenylalanine at codon 136 is replaced by valine, an amino acid with highly similar properties. This variant has been observed in multiple individuals with a personal history that is consistent with von Hippel-Lindau syndrome (VHL) (Tr&ouml;bs RB et al. Urol Int, 2002;68:299-301; Ambry internal data). This variant is considered to be rare based on population cohorts in the Genome Aggregation Database (gnomAD). This amino acid position is highly conserved in available vertebrate species. In addition, this alteration is predicted to be deleterious by in silico analysis. Based on the majority of available evidence to date, this variant is likely to be pathogenic.

Literature cited by the submitters: PubMed 7987306 (cited by Labcorp Genetics (formerly Invitae), Labcorp); PubMed 12202531 (cited by Labcorp Genetics (formerly Invitae), Labcorp); PubMed 12510195 (cited by Labcorp Genetics (formerly Invitae), Labcorp); PubMed 12624160 (cited by Labcorp Genetics (formerly Invitae), Labcorp); PubMed 15300849 (cited by Labcorp Genetics (formerly Invitae), Labcorp); PubMed 17024664 (cited by Labcorp Genetics (formerly Invitae), Labcorp); PubMed 34122352 (cited by Labcorp Genetics (formerly Invitae), Labcorp); PubMed 12053037 (cited by Ambry Genetics).